The following is an entry in ClinVar:

ClinVar aggregate classification (germline): Uncertain significance (1 of 4 stars; one submission).

Conditions:
Renal cell carcinoma. Identifiers: Orphanet 217071, MedGen C0007134, MeSH D002292, MONDO:0005086, HP:0005584.

Submission:

Labcorp Genetics (formerly Invitae), Labcorp
Classification: Uncertain significance for Renal cell carcinoma. Last evaluated: 2025-02-02. Review status: criteria provided, single submitter. Criteria: Invitae Variant Classification Sherloc (09022015). Collection method: clinical testing. Allele origin: germline.
Comment: This sequence change falls in intron 14 of the MET gene. It does not directly change the encoded amino acid sequence of the MET protein. It affects a nucleotide within the consensus splice site. This variant is not present in population databases (gnomAD no frequency). This variant has not been reported in the literature in individuals affected with MET-related conditions. Variants that disrupt the consensus splice site are a relatively common cause of aberrant splicing (PMID: 17576681, 9536098). Algorithms developed to predict the effect of sequence changes on RNA splicing suggest that this variant may disrupt the consensus splice site. In summary, the available evidence is currently insufficient to determine the role of this variant in disease. Therefore, it has been classified as a Variant of Uncertain Significance.

Literature cited by the submitters: PubMed 17576681; PubMed 9536098.

NM_000245.4(MET):c.3028+3A>T

Gene: MET (MET proto-oncogene, receptor tyrosine kinase; plus strand). Cytogenetic location: 7q31.2.
Variant type: single nucleotide variant.
Coding change: c.3028+3A>T on transcript NM_000245.4 (MANE Select); 3 bases into the intron after coding-DNA position 3028, A replaced by T.
Molecular consequence: intron variant.
Genome position (GRCh38, 1-based): chr7:116,771,992, A>T. VCF-style: chr7-116771992-A-T. GRCh37 (hg19) VCF-style: chr7-116412046-A-T.
Other names: c.3082+3A>T (NM_001127500.3); c.1738+3A>T (NM_001324402.2).
Identifiers: ClinVar variation 4712136 (VCV004712136.1).